The following is an entry in ClinVar:

NM_000719.7(CACNA1C):c.2405A>G (p.Glu802Gly)

Gene: CACNA1C (calcium voltage-gated channel subunit alpha1 C; plus strand). Cytogenetic location: 12p13.33.
Variant type: single nucleotide variant.
Coding change: c.2405A>G on transcript NM_000719.7 (MANE Select); coding-DNA position 2405, A replaced by G.
Protein change: p.Glu802Gly; replaces glutamic acid 802 with glycine.
Molecular consequence: missense variant.
Genome position (GRCh38, 1-based): chr12:2,585,441, A>G. VCF-style: chr12-2585441-A-G. GRCh37 (hg19) VCF-style: chr12-2694607-A-G.
Other names: c.2405A>G, p.Glu802Gly (NM_199460.4, NM_001129831.2, NM_001129832.2 and 18 more transcripts); c.2396A>G, p.Glu799Gly (NM_001129844.2); short protein forms E802G, E799G.
Identifiers: ClinVar variation 2964194 (VCV002964194.3), dbSNP rs2515454957, ClinGen allele CA383371749.

ClinVar aggregate classification (germline): Uncertain significance (1 of 4 stars; one submission).

Conditions:
Long QT syndrome (LQTS). Identifiers: MedGen C0023976, MeSH D008133, MONDO:0002442. Disease mechanism: loss of function. Inheritance: Various modes of inheritance.

Submission:

Labcorp Genetics (formerly Invitae), Labcorp
Classification: Uncertain significance for Long QT syndrome. Last evaluated: 2023-12-30. Review status: criteria provided, single submitter. Criteria: Invitae Variant Classification Sherloc (09022015). Collection method: clinical testing. Allele origin: germline.
Comment: This sequence change replaces glutamic acid, which is acidic and polar, with glycine, which is neutral and non-polar, at codon 802 of the CACNA1C protein (p.Glu802Gly). This variant is not present in population databases (gnomAD no frequency). This variant has not been reported in the literature in individuals affected with CACNA1C-related conditions. Advanced modeling of protein sequence and biophysical properties (such as structural, functional, and spatial information, amino acid conservation, physicochemical variation, residue mobility, and thermodynamic stability) performed at Invitae indicates that this missense variant is not expected to disrupt CACNA1C protein function with a negative predictive value of 95%. In summary, the available evidence is currently insufficient to determine the role of this variant in disease. Therefore, it has been classified as a Variant of Uncertain Significance.